The following is an entry in ClinVar:

NM_004247.4(EFTUD2):c.984C>T (p.Ala328=)

Gene: EFTUD2 (elongation factor Tu GTP binding domain containing 2; minus strand). Cytogenetic location: 17q21.31.
Variant type: single nucleotide variant.
Coding change: c.984C>T on transcript NM_004247.4 (MANE Select); coding-DNA position 984, C replaced by T.
Protein change: p.Ala328=; no amino-acid change (alanine 328 retained).
Molecular consequence: synonymous variant.
Genome position (GRCh38, 1-based): chr17:44,872,456, G>A on the plus strand (C>T on the coding strand, the complement: EFTUD2 is on the minus strand). VCF-style: chr17-44872456-G-A. GRCh37 (hg19) VCF-style: chr17-42949824-G-A.
Other names: c.879C>T, p.Ala293= (NM_001142605.2); c.984C>T, p.Ala328= (NM_001258353.2); c.954C>T, p.Ala318= (NM_001258354.2).
Identifiers: ClinVar variation 789453 (VCV000789453.17), dbSNP rs117507317, ClinGen allele CA8607937.
Genomic context (GRCh38, chr17:44,872,456, plus strand): 5'-ACACAGGACTCAGGGGAAGCTGGTGAGACAGACTGCCAGCCAGCGCTTACCAAAGGTGTC[G>A]GCATAGATCTTGGCAAAGGAGCCCAGCGTGAAGCAGATGCTGTACTGGGAGCTGGAGAAG-3'
Protein context (NP_004238.3, residues 318-338): FTLGSFAKIY[Ala328=]DTFGDINYQE

ClinVar aggregate classification (germline): Benign/Likely benign. Review status: criteria provided, multiple submitters, no conflicts (2 of 4 stars). 4 submissions from 4 submitters: Benign (1); Likely benign (3). Last evaluated 2026-02-01.

Allele frequency attached by ClinVar (database versions not stated): gnomAD 0.00031 and 0.00050; TOPMed 0.00091; ExAC 0.00120; gnomAD exomes 0.00130; 1000 Genomes Project 30x 0.00250; 1000 Genomes Project 0.00300.
gnomAD v4.1: 638 of 1,612,740 alleles (0.04%); highest among the groups gnomAD compares: East Asian, 1.2%; 6 homozygotes.

Submissions (4):

CeGaT Center for Human Genetics Tuebingen
Classification: Likely benign. Last evaluated: 2026-02-01. Review status: criteria provided, single submitter. Criteria: CeGaT Center For Human Genetics Tuebingen Variant Classification Criteria Version 2. Collection method: clinical testing. Allele origin: germline. Affected: yes. Observed: 1 variant allele.
Comment: EFTUD2: BP4, BP7, BS1

Labcorp Genetics (formerly Invitae), Labcorp
Classification: Benign. Last evaluated: 2026-02-01. Review status: criteria provided, single submitter. Criteria: Invitae Variant Classification Sherloc (09022015). Collection method: clinical testing. Allele origin: germline.

Blueprint Genetics
Classification: Likely benign. Last evaluated: 2024-07-08. Review status: criteria provided, single submitter. Criteria: ACMG Guidelines, 2015. Collection method: clinical testing. Allele origin: germline.

GeneDx
Classification: Likely benign. Last evaluated: 2019-12-11. Review status: criteria provided, single submitter. Criteria: GeneDx Variant Classification Process June 2021. Collection method: clinical testing. Allele origin: germline. Affected: yes.